The following is an entry in ClinVar:

NM_006254.4(PRKCD):c.1352+54_1352+61del

Gene: PRKCD (protein kinase C delta; plus strand). Cytogenetic location: 3p21.1.
Variant type: Deletion.
Coding change: c.1352+54_1352+61del on transcript NM_006254.4 (MANE Select); bases 54 to 61 of the intron after coding-DNA position 1352, 8 bases deleted (TCAGAGCC; older notation c.1352+54_1352+61delTCAGAGCC).
Molecular consequence: intron variant.
Genome position (GRCh38, 1-based): chr3:53,186,749-53,186,756, TCAGAGCC deleted; deleting any 8 consecutive bases within chr3:53,186,748-53,186,756 gives the same sequence; the c. name uses the placement nearest the transcript's 3' end. VCF-style (leftmost placement, unchanged base first): chr3-53186747-GCTCAGAGC-G. GRCh37 (hg19) VCF-style: chr3-53220763-GCTCAGAGC-G.
Other names: c.1352+54_1352+61del (NM_001354680.2, NM_001354679.2, NM_212539.2 and 1 more transcripts); c.1409+54_1409+61del (NM_001354676.2); c.1400+54_1400+61del (NM_001354678.2).
Identifiers: ClinVar variation 1179484 (VCV001179484.4), dbSNP rs3830265, ClinGen allele CA2452153.

ClinVar aggregate classification (germline): Benign. Review status: criteria provided, multiple submitters, no conflicts (2 of 4 stars). 2 submissions from 2 submitters: Benign (2). Last evaluated 2023-11-12.

Submissions (2):

Unidad de Genómica Garrahan, Hospital de Pediatría Garrahan
Classification: Benign. Last evaluated: 2023-11-12. Review status: criteria provided, single submitter. Criteria: ACMG Guidelines, 2015. Collection method: clinical testing. Allele origin: germline. Affected: no. Observed: 50 variant alleles.
Comment: This variant is classified as Benign based on local population frequency. This variant was detected in 52% of patients studied by a panel of primary immunodeficiencies. Number of patients: 50. Only high quality variants are reported.

GeneDx
Classification: Benign. Last evaluated: 2021-05-17. Review status: criteria provided, single submitter. Criteria: GeneDx Variant Classification Process June 2021. Collection method: clinical testing. Allele origin: germline. Affected: yes.